The following is an entry in ClinVar:

ClinVar aggregate classification (germline): Uncertain significance (1 of 4 stars; one submission).

Allele frequency attached by ClinVar (database versions not stated): gnomAD exomes below 0.00001; gnomAD 0.00002; TOPMed below 0.00001.
gnomAD v4.1: 3 of 1,210,518 alleles (0.00025%); highest among the groups gnomAD compares: Admixed American, 0.0065%; no homozygotes.

Submission:

GeneDx
Classification: Uncertain significance. Last evaluated: 2023-08-28. Review status: criteria provided, single submitter. Criteria: GeneDx Variant Classification Process June 2021. Collection method: clinical testing. Allele origin: germline. Affected: yes.
Comment: In silico analysis, which includes protein predictors and evolutionary conservation, supports a deleterious effect; Has not been previously published as pathogenic or benign to our knowledge

NM_001123385.2(BCOR):c.5062G>C (p.Glu1688Gln)

Gene: BCOR (BCL6 corepressor; minus strand). Cytogenetic location: Xp11.4.
Variant type: single nucleotide variant.
Coding change: c.5062G>C on transcript NM_001123385.2 (MANE Select); coding-DNA position 5062, G replaced by C.
Protein change: p.Glu1688Gln; replaces glutamic acid 1688 with glutamine.
Molecular consequence: missense variant.
Genome position (GRCh38, 1-based): chrX:40,052,315, C>G on the plus strand (G>C on the coding strand, the complement: BCOR is on the minus strand). VCF-style: chrX-40052315-C-G. GRCh37 (hg19) VCF-style: chrX-39911568-C-G.
Other names: c.4960G>C, p.Glu1654Gln (NM_017745.6, NM_001123383.2); c.4906G>C, p.Glu1636Gln (NM_001123384.2); short protein forms E1636Q, E1654Q, E1688Q.
Identifiers: ClinVar variation 1312418 (VCV001312418.5), dbSNP rs1368427807, ClinGen allele CA412732747.